The following is an entry in ClinVar:

ClinVar aggregate classification (germline): Conflicting classifications of pathogenicity. Review status: criteria provided, conflicting classifications (1 of 4 stars). 6 submissions from 6 submitters: Uncertain significance (4); Likely benign (1). 1 of the submissions does not count toward it. Last evaluated 2023-12-28.

Conditions:
Hereditary cancer-predisposing syndrome. Also called: Neoplastic Syndromes, Hereditary; Tumor predisposition; Hereditary Cancer Syndrome; Hereditary neoplastic syndrome. Identifiers: Orphanet 140162, MedGen C0027672, MeSH D009386, MONDO:0015356.
Familial cancer of breast. Also called: BREAST CANCER, FAMILIAL; Hereditary breast cancer; hereditary breast carcinoma. Identifiers: Orphanet 227535, MedGen C0346153, MONDO:0016419, OMIM 114480. Disease mechanism: loss of function.

Submissions (6):

Quest Diagnostics Nichols Institute San Juan Capistrano
Classification: Uncertain significance. Last evaluated: 2023-12-28. Review status: criteria provided, single submitter. Criteria: Quest Diagnostics criteria. Collection method: clinical testing. Allele origin: unknown.
Comment: The PALB2 c.2506G>T (p.Val836Phe) variant has been reported in the published literature in in reportedly unaffected individuals (PMID: 36243179 (2022), 33471991 (2021), 30287823 (2018), see also LOVD). The frequency of this variant in the general population, 0.00023 (7/30614 chromosomes (Genome Aggregation Database)), is uninformative in the assessment of its pathogenicity. Analysis of this variant using bioinformatics tools for the prediction of the effect of amino acid changes on protein structure and function yielded predictions that this variant is benign. Based on the available information, we are unable to determine the clinical significance of this variant.

Labcorp Genetics (formerly Invitae), Labcorp
Classification: Uncertain significance for Familial cancer of breast. Last evaluated: 2023-09-03. Review status: criteria provided, single submitter. Criteria: Invitae Variant Classification Sherloc (09022015). Collection method: clinical testing. Allele origin: germline.
Comment: In summary, the available evidence is currently insufficient to determine the role of this variant in disease. Therefore, it has been classified as a Variant of Uncertain Significance. This sequence change replaces valine, which is neutral and non-polar, with phenylalanine, which is neutral and non-polar, at codon 836 of the PALB2 protein (p.Val836Phe). This variant is present in population databases (rs536644825, gnomAD 0.02%). This variant has not been reported in the literature in individuals affected with PALB2-related conditions. ClinVar contains an entry for this variant (Variation ID: 216746). Advanced modeling of protein sequence and biophysical properties (such as structural, functional, and spatial information, amino acid conservation, physicochemical variation, residue mobility, and thermodynamic stability) performed at Invitae indicates that this missense variant is not expected to disrupt PALB2 protein function.

Blueprint Genetics
Classification: Uncertain significance. Last evaluated: 2023-06-08. Review status: criteria provided, single submitter. Criteria: ACMG Guidelines, 2015. Collection method: clinical testing. Allele origin: germline.

Ambry Genetics
Classification: Likely benign for Hereditary cancer-predisposing syndrome. Last evaluated: 2022-02-03. Review status: criteria provided, single submitter. Criteria: Ambry Variant Classification Scheme 2023. Collection method: clinical testing. Allele origin: germline.

Color Diagnostics, LLC DBA Color Health
Classification: Uncertain significance for Hereditary cancer-predisposing syndrome. Last evaluated: 2018-11-10. Review status: criteria provided, single submitter. Criteria: ACMG Guidelines, 2015. Collection method: clinical testing. Allele origin: germline.

Leiden Open Variation Database
Classification: Uncertain significance. Last evaluated: 2018-08-25. Review status: no assertion criteria provided. Collection method: curation. Allele origin: germline. Affected: yes. Not counted in ClinVar's aggregate classification.
Comment: Curators: Marc Tischkowitz, Arleen D. Auerbach. Submitter to LOVD: Yukihide Momozawa.

Literature cited by the submitters: PubMed 30287823 (cited by 3 submitters); PubMed 36243179 (cited by Quest Diagnostics Nichols Institute San Juan Capistrano); PubMed 33471991 (cited by Quest Diagnostics Nichols Institute San Juan Capistrano).

NM_024675.4(PALB2):c.2506G>T (p.Val836Phe)

Gene: PALB2 (partner and localizer of BRCA2; minus strand). Cytogenetic location: 16p12.2.
Variant type: single nucleotide variant.
Coding change: c.2506G>T on transcript NM_024675.4 (MANE Select); coding-DNA position 2506, G replaced by T.
Protein change: p.Val836Phe; replaces valine 836 with phenylalanine.
Molecular consequence: missense variant.
Genome position (GRCh38, 1-based): chr16:23,629,648, C>A on the plus strand (G>T on the coding strand, the complement: PALB2 is on the minus strand). VCF-style: chr16-23629648-C-A. GRCh37 (hg19) VCF-style: chr16-23640969-C-A.
Other names: short protein forms V836F.
Identifiers: ClinVar variation 216746 (VCV000216746.20), dbSNP rs536644825, ClinGen allele CA335985.